The following is an entry in ClinVar:

ClinVar aggregate classification (germline): Uncertain significance (1 of 4 stars; one submission).

Conditions:
Epidermolysis bullosa simplex 5B, with muscular dystrophy (EBS5B). Also called: Epidermolysis bullosa simplex with muscular dystrophy; EPIDERMOLYSIS BULLOSA SIMPLEX AND LIMB-GIRDLE MUSCULAR DYSTROPHY. Identifiers: Orphanet 257, MedGen C2931072, MONDO:0009181, OMIM 226670.
Epidermolysis bullosa simplex 5C, with pyloric atresia (EBS5C). Also called: PLEC-Related Epidermolysis Bullosa with Pyloric Atresia; Epidermolysis bullosa simplex with pyloric atresia; PLEC1-Related Epidermolysis Bullosa with Pyloric Atresia. Identifiers: Orphanet 158684, MedGen C2677349, MONDO:0012807, OMIM 612138.
Epidermolysis bullosa simplex with nail dystrophy (EBS5D). Identifiers: MedGen C4225309, MONDO:0014661, OMIM 616487.
Epidermolysis bullosa simplex, Ogna type (EBS5A). Also called: Pidermolysis bullosa simplex 5A, Ogna type; EPIDERMOLYSIS BULLOSA SIMPLEX 5A, OGNA TYPE. Identifiers: Orphanet 79401, MedGen C0432317, MONDO:0007555, OMIM 131950.
Autosomal recessive limb-girdle muscular dystrophy type 2Q (LGMDR17). Also called: MUSCULAR DYSTROPHY, LIMB-GIRDLE, AUTOSOMAL RECESSIVE 17. Identifiers: Orphanet 254361, MedGen C3150989, MONDO:0013390, OMIM 613723.

Allele frequency attached by ClinVar (database versions not stated): gnomAD exomes below 0.00001; TOPMed 0.00001.
gnomAD v4.1: 5 of 1,593,530 alleles (0.00031%); highest among the groups gnomAD compares: Non-Finnish European, 0.00043%; no homozygotes.

Submission:

Labcorp Genetics (formerly Invitae), Labcorp
Classification: Uncertain significance for Autosomal recessive limb-girdle muscular dystrophy type 2Q; Epidermolysis bullosa simplex, Ogna type; Epidermolysis bullosa simplex with nail dystrophy; Epidermolysis bullosa simplex 5C, with pyloric atresia; Epidermolysis bullosa simplex 5B, with muscular dystrophy. Last evaluated: 2024-07-03. Review status: criteria provided, single submitter. Criteria: Invitae Variant Classification Sherloc (09022015). Collection method: clinical testing. Allele origin: germline.
Comment: This sequence change replaces leucine, which is neutral and non-polar, with phenylalanine, which is neutral and non-polar, at codon 1149 of the PLEC protein (p.Leu1149Phe). This variant is not present in population databases (gnomAD no frequency). This variant has not been reported in the literature in individuals affected with PLEC-related conditions. ClinVar contains an entry for this variant (Variation ID: 2002714). Advanced modeling of protein sequence and biophysical properties (such as structural, functional, and spatial information, amino acid conservation, physicochemical variation, residue mobility, and thermodynamic stability) performed at Invitae indicates that this missense variant is not expected to disrupt PLEC protein function with a negative predictive value of 80%. In summary, the available evidence is currently insufficient to determine the role of this variant in disease. Therefore, it has been classified as a Variant of Uncertain Significance.

NM_201384.3(PLEC):c.3364C>T (p.Leu1122Phe)

Gene: PLEC (plectin; minus strand). Cytogenetic location: 8q24.3.
Variant type: single nucleotide variant.
Coding change: c.3364C>T on transcript NM_201384.3 (MANE Select); coding-DNA position 3364, C replaced by T.
Protein change: p.Leu1122Phe; replaces leucine 1122 with phenylalanine.
Molecular consequence: missense variant.
Genome position (GRCh38, 1-based): chr8:143,927,889, G>A on the plus strand (C>T on the coding strand, the complement: PLEC is on the minus strand). VCF-style: chr8-143927889-G-A. GRCh37 (hg19) VCF-style: chr8-145002057-G-A.
Other names: c.3445C>T, p.Leu1149Phe (NM_000445.5, NM_001410941.1); c.3322C>T, p.Leu1108Phe (NM_201378.4); c.3298C>T, p.Leu1100Phe (NM_201379.3); c.3775C>T, p.Leu1259Phe (NM_201380.4); c.3268C>T, p.Leu1090Phe (NM_201381.3); c.3364C>T, p.Leu1122Phe (NM_201382.4); c.3376C>T, p.Leu1126Phe (NM_201383.3); short protein forms L1108F, L1122F, L1126F, L1100F, L1149F, L1090F, L1259F.
Identifiers: ClinVar variation 2002714 (VCV002002714.4), dbSNP rs1381326347, ClinGen allele CA372566699.